The following is an entry in ClinVar:

Conditions:
Breast-ovarian cancer, familial, susceptibility to, 1 (BROVCA1). Also called: BRCA1 Hereditary Breast and Ovarian Cancer; OVARIAN CANCER, SUSCEPTIBILITY TO. Identifiers: Orphanet 145, MedGen C2676676, MONDO:0011450, OMIM 604370. Disease mechanism: loss of function.

Submission:

Brotman Baty Institute, University of Washington
No classification provided (evidence only). Condition: Breast-ovarian cancer, familial 1. Review status: no classification provided. Collection method: in vitro. Allele origin: not applicable. Functional consequence: functionally_normal.
ClinVar note: "not provided" was previously submitted as the classification for the variant. However, the classification appeared to be based only on an observation of functional data so it was converted to no classification on 2025-07-30.

NM_007294.4(BRCA1):c.5270A>T (p.Asp1757Val)

Gene: BRCA1 (BRCA1 DNA repair associated; minus strand). Cytogenetic location: 17q21.31.
Variant type: single nucleotide variant.
Coding change: c.5270A>T on transcript NM_007294.4 (MANE Select); coding-DNA position 5270, A replaced by T.
Protein change: p.Asp1757Val; replaces aspartic acid 1757 with valine.
Molecular consequence: missense variant. On other transcripts: non-coding transcript variant (1).
Genome position (GRCh38, 1-based): chr17:43,057,059, T>A on the plus strand (A>T on the coding strand, the complement: BRCA1 is on the minus strand). VCF-style: chr17-43057059-T-A. GRCh37 (hg19) VCF-style: chr17-41209076-T-A.
Other names: c.5138A>T, p.Asp1713Val (NM_001407690.1, NM_001407691.1); c.5129A>T, p.Asp1710Val (NM_001407692.1, NM_001407694.1, NM_001407695.1 and 13 more transcripts); c.5126A>T, p.Asp1709Val (NM_001407734.1, NM_001407735.1, NM_001407736.1 and 21 more transcripts); c.5123A>T, p.Asp1708Val (NM_001407838.1, NM_001407839.1, NM_001407841.1 and 12 more transcripts); c.5264A>T, p.Asp1755Val (NM_001407861.1, NM_001407629.1, NM_001407630.1 and 14 more transcripts); c.5069A>T, p.Asp1690Val (NM_001407862.1); c.5066A>T, p.Asp1689Val (NM_001407863.1); c.5063A>T, p.Asp1688Val (NM_001407874.1, NM_001407875.1); and 72 more; short protein forms D1778V, D653V, D1710V, D1757V, D1461V, D1588V, D1629V, D1644V.
Identifiers: ClinVar variation 867298 (VCV000867298.3), dbSNP rs2051498474, ClinGen allele CA10591013.
Genomic context (GRCh38, chr17:43,057,059, plus strand): 5'-GAATACAGAGTGGTGGGGTGAGATTTTTGTCAACTTGAGGGAGGGAGCTTTACCTTTCTG[T>A]CCTGGGATTCTCTTGCTCGCTTTGGACCTTGGTGGTTTCTTCCATTGACCACATCTCCTC-3'
Protein context (NP_009225.1, residues 1747-1767): QGPKRARESQ[Asp1757Val]RKIFRGLEIC